The following is an entry in ClinVar:

NM_006204.4(PDE6C):c.2540G>A (p.Gly847Asp)

Gene: PDE6C (phosphodiesterase 6C; plus strand). Cytogenetic location: 10q23.33.
Variant type: single nucleotide variant.
Coding change: c.2540G>A on transcript NM_006204.4 (MANE Select); coding-DNA position 2540, G replaced by A.
Protein change: p.Gly847Asp; replaces glycine 847 with aspartic acid.
Molecular consequence: missense variant.
Genome position (GRCh38, 1-based): chr10:93,665,381, G>A. VCF-style: chr10-93665381-G-A. GRCh37 (hg19) VCF-style: chr10-95425138-G-A.
Other names: short protein forms G847D.
Identifiers: ClinVar variation 1059976 (VCV001059976.9), dbSNP rs2133881071, ClinGen allele CA377630969.

ClinVar aggregate classification (germline): Uncertain significance (1 of 4 stars; one submission).

Submission:

Labcorp Genetics (formerly Invitae), Labcorp
Classification: Uncertain significance. Last evaluated: 2022-08-23. Review status: criteria provided, single submitter. Criteria: Invitae Variant Classification Sherloc (09022015). Collection method: clinical testing. Allele origin: germline.
Comment: ClinVar contains an entry for this variant (Variation ID: 1059976). This sequence change replaces glycine, which is neutral and non-polar, with aspartic acid, which is acidic and polar, at codon 847 of the PDE6C protein (p.Gly847Asp). This variant is not present in population databases (gnomAD no frequency). This variant has not been reported in the literature in individuals affected with PDE6C-related conditions. Algorithms developed to predict the effect of missense changes on protein structure and function (SIFT, PolyPhen-2, Align-GVGD) all suggest that this variant is likely to be tolerated. In summary, the available evidence is currently insufficient to determine the role of this variant in disease. Therefore, it has been classified as a Variant of Uncertain Significance.